The following is an entry in ClinVar:

NM_206926.2(SELENON):c.712C>G (p.Gln238Glu)

Gene: SELENON (selenoprotein N; plus strand). Cytogenetic location: 1p36.11.
Variant type: single nucleotide variant.
Coding change: c.712C>G on transcript NM_206926.2 (MANE Select); coding-DNA position 712, C replaced by G.
Protein change: p.Gln238Glu; replaces glutamine 238 with glutamic acid.
Molecular consequence: missense variant.
Genome position (GRCh38, 1-based): chr1:25,809,092, C>G. VCF-style: chr1-25809092-C-G. GRCh37 (hg19) VCF-style: chr1-26135583-C-G.
Other names: c.814C>G, p.Gln272Glu (NM_020451.3); short protein forms Q238E, Q272E.
Identifiers: ClinVar variation 1054012 (VCV001054012.6), dbSNP rs2047935649, ClinGen allele CA339113852.

ClinVar aggregate classification (germline): Uncertain significance (1 of 4 stars; one submission).

Conditions:
Eichsfeld type congenital muscular dystrophy (CMYO3). Also called: Rigid spine muscular dystrophy 1; MYOPATHY, SEPN1-RELATED; SELENON-related myopathy; Congenital myopathy 3 with rigid spine. Identifiers: MedGen C0410180, MONDO:0100100, OMIM 602771.

gnomAD v4.1: 1 of 1,613,856 alleles (0.000062%); highest among the groups gnomAD compares: Non-Finnish European, 0.000085%; no homozygotes.

Submission:

Labcorp Genetics (formerly Invitae), Labcorp
Classification: Uncertain significance for Eichsfeld type congenital muscular dystrophy. Last evaluated: 2025-10-11. Review status: criteria provided, single submitter. Criteria: Invitae Variant Classification Sherloc (09022015). Collection method: clinical testing. Allele origin: germline.
Comment: This sequence change replaces glutamine, which is neutral and polar, with glutamic acid, which is acidic and polar, at codon 272 of the SELENON protein (p.Gln272Glu). This variant is not present in population databases (gnomAD no frequency). This variant has not been reported in the literature in individuals affected with SELENON-related conditions. ClinVar contains an entry for this variant (Variation ID: 1054012). An algorithm developed to predict the effect of missense changes on protein structure and function (PolyPhen-2) suggests that this variant is likely to be disruptive. In summary, the available evidence is currently insufficient to determine the role of this variant in disease. Therefore, it has been classified as a Variant of Uncertain Significance.